The following is an entry in ClinVar:

NM_001035.3(RYR2):c.3593G>A (p.Gly1198Asp)

Gene: RYR2 (ryanodine receptor 2; plus strand). Cytogenetic location: 1q43.
Variant type: single nucleotide variant.
Coding change: c.3593G>A on transcript NM_001035.3 (MANE Select); coding-DNA position 3593, G replaced by A.
Protein change: p.Gly1198Asp; replaces glycine 1198 with aspartic acid.
Molecular consequence: missense variant.
Genome position (GRCh38, 1-based): chr1:237,569,314, G>A. VCF-style: chr1-237569314-G-A. GRCh37 (hg19) VCF-style: chr1-237732614-G-A.
Other names: short protein forms G1198D.
Identifiers: ClinVar variation 1171945 (VCV001171945.5), dbSNP rs1377831447, ClinGen allele CA345390890.

ClinVar aggregate classification (germline): Uncertain significance. Review status: criteria provided, multiple submitters, no conflicts (2 of 4 stars). 2 submissions from 2 submitters: Uncertain significance (2). Last evaluated 2024-03-07.

Conditions:
Catecholaminergic polymorphic ventricular tachycardia (CVPT). Also called: Catecholamine-induced polymorphic ventricular tachycardia. Identifiers: Orphanet 3286, MedGen C5574922, MONDO:0017990.
Cardiomyopathy (CMYO). Also called: Cardiomyopathies. Identifiers: Orphanet 167848, MedGen C0878544, MONDO:0004994, HP:0001638. Inheritance: Various modes of inheritance.

Allele frequency attached by ClinVar (database versions not stated): gnomAD exomes below 0.00001; TOPMed below 0.00001; gnomAD 0.00001; 1000 Genomes Project 30x 0.00031.
gnomAD v4.1: 7 of 1,613,484 alleles (0.00043%); highest among the groups gnomAD compares: South Asian, 0.0066%; no homozygotes.

Submissions (2):

Color Diagnostics, LLC DBA Color Health
Classification: Uncertain significance for Cardiomyopathy. Last evaluated: 2024-03-07. Review status: criteria provided, single submitter. Criteria: ACMG Guidelines, 2015. Collection method: clinical testing. Allele origin: germline.
Comment: This variant is located in the RYR2 protein. Computational prediction is inconclusive regarding the impact of this variant on protein structure and function (internally defined REVEL score threshold 0.5 < inconclusive < 0.7, PMID: 27666373). To our knowledge, functional studies have not been reported for this variant. This variant has not been reported in individuals affected with cardiovascular disorders in the literature. This variant has not been identified in the general population by the Genome Aggregation Database (gnomAD). The available evidence is insufficient to determine the role of this variant in disease conclusively. Therefore, this variant is classified as a Variant of Uncertain Significance.

All of Us Research Program, National Institutes of Health
Classification: Uncertain significance for Catecholaminergic polymorphic ventricular tachycardia. Last evaluated: 2023-07-10. Review status: criteria provided, single submitter. Criteria: ACMG Guidelines, 2015. Collection method: clinical testing. Allele origin: germline. Inheritance: Autosomal dominant inheritance. Observed: 1 variant allele, 1 heterozygote.
Comment: This variant is located in the RYR2 protein. Computational prediction is inconclusive regarding the impact of this variant on protein structure and function (internally defined REVEL score threshold 0.5 < inconclusive < 0.7, PMID: 27666373). To our knowledge, functional studies have not been reported for this variant. This variant has not been reported in individuals affected with cardiovascular disorders in the literature. This variant has not been identified in the general population by the Genome Aggregation Database (gnomAD). The available evidence is insufficient to determine the role of this variant in disease conclusively. Therefore, this variant is classified as a Variant of Uncertain Significance.

This study involves interpretation of variants in research participants for the purpose of population health screening. Participant phenotype was not available at the time of variant classification. Additional details can be found in publication PMID: 35346344, PMCID: PMC8962531